The following is an entry in ClinVar:

ClinVar aggregate classification (germline): Likely pathogenic (1 of 4 stars; one submission).

Allele frequency attached by ClinVar (database versions not stated): gnomAD exomes below 0.00001.
gnomAD v4.1: 1 of 1,611,998 alleles (0.000062%); highest among the groups gnomAD compares: Non-Finnish European, 0.000085%; no homozygotes.

Submission:

GeneDx
Classification: Likely pathogenic. Last evaluated: 2023-08-27. Review status: criteria provided, single submitter. Criteria: GeneDx Variant Classification Process June 2021. Collection method: clinical testing. Allele origin: germline. Affected: yes.
Comment: Not observed at significant frequency in large population cohorts (gnomAD); In silico analysis supports that this missense variant has a deleterious effect on protein structure/function; Has not been previously published as pathogenic or benign to our knowledge

NM_001370100.5(ZMYND11):c.1795C>T (p.Arg599Cys)

Gene: ZMYND11 (zinc finger MYND-type containing 11; plus strand). Cytogenetic location: 10p15.3.
Variant type: single nucleotide variant.
Coding change: c.1795C>T on transcript NM_001370100.5 (MANE Select); coding-DNA position 1795, C replaced by T.
Protein change: p.Arg599Cys; replaces arginine 599 with cysteine.
Molecular consequence: missense variant. On other transcripts: non-coding transcript variant (1).
Genome position (GRCh38, 1-based): chr10:252,456, C>T. VCF-style: chr10-252456-C-T. GRCh37 (hg19) VCF-style: chr10-298396-C-T.
Other names: c.1795C>T, p.Arg599Cys (NM_001161482.1, NM_001370097.3, NM_001370098.2 and 4 more transcripts); c.1633C>T, p.Arg545Cys (NM_001202464.3, NM_001370103.2, NM_001370104.2 and 5 more transcripts); c.1540C>T, p.Arg514Cys (NM_001202465.3, NM_001370110.2); c.1630C>T, p.Arg544Cys (NM_001202466.3, NM_001370111.2); c.1744C>T, p.Arg582Cys (NM_001330057.3, NM_001370112.2); c.1702C>T, p.Arg568Cys (NM_001370113.2, NM_001370114.2); c.1792C>T, p.Arg598Cys (NM_001370115.2); c.1729C>T, p.Arg577Cys (NM_001370116.2); and 8 more; short protein forms R442C, R480C, R497C, R505C, R514C, R523C, R544C, R545C.
Identifiers: ClinVar variation 2577598 (VCV002577598.1), dbSNP rs2540123164, ClinGen allele CA375824707.